The following is an entry in ClinVar:

NM_000310.4(PPT1):c.6del (p.Ser3fs)

Gene: PPT1 (palmitoyl-protein thioesterase 1; minus strand). Cytogenetic location: 1p34.2.
Variant type: Deletion.
Coding change: c.6del on transcript NM_000310.4 (MANE Select); coding-DNA position 6, one base deleted (G; older notation c.6delG).
Protein change: p.Ser3fs; shifts the reading frame from serine 3.
Molecular consequence: frameshift variant.
Genome position (GRCh38, 1-based): chr1:40,097,233, C deleted on the plus strand (G on the coding strand, the reverse complement: PPT1 is on the minus strand). VCF-style (leftmost placement, unchanged base first): chr1-40097232-AC-A. GRCh37 (hg19) VCF-style: chr1-40562904-AC-A.
Other names: c.6delG (NM_000310.3); c.6del, p.Ser3fs (NM_001142604.2, NM_001363695.2); short protein forms S3fs.
Identifiers: ClinVar variation 664850 (VCV000664850.9), dbSNP rs1570476221, ClinGen allele CA915941213.
Genomic context (GRCh38, chr1:40,097,232, plus strand): 5'-CCCGAGAAGCGCAGGTCCATGGCAGGAGAGCCACAGCCAAGAGCCACAGGCAGCCGGGCG[AC>A]GCCATCTTCGCTGTGTCACATGACCGCGGGCGCGAGACTCCGGGAACCGCGCTCCGCCCG-3'

ClinVar aggregate classification (germline): Pathogenic/Likely pathogenic. Review status: criteria provided, multiple submitters, no conflicts (2 of 4 stars). 2 submissions from 2 submitters: Pathogenic (1); Likely pathogenic (1). Last evaluated 2022-07-15.

Conditions:
Neuronal ceroid lipofuscinosis 1 (CLN1). Also called: PPT1-Related Neuronal Ceroid-Lipofuscinosis; CEROID LIPOFUSCINOSIS, NEURONAL, 1, VARIABLE AGE AT ONSET. Identifiers: Orphanet 228329, MedGen C1850451, MONDO:0009744, OMIM 256730.

Allele frequency attached by ClinVar (database versions not stated): gnomAD exomes below 0.00001.

Submissions (2):

Labcorp Genetics (formerly Invitae), Labcorp
Classification: Pathogenic for Neuronal ceroid lipofuscinosis 1. Last evaluated: 2022-07-15. Review status: criteria provided, single submitter. Criteria: Invitae Variant Classification Sherloc (09022015). Collection method: clinical testing. Allele origin: germline.
Comment: This variant is not present in population databases (gnomAD no frequency). ClinVar contains an entry for this variant (Variation ID: 664850). This premature translational stop signal has been observed in individual(s) with variant late infantile neuronal ceroid lipofuscinoses (PMID: 11727201). This sequence change creates a premature translational stop signal (p.Ser3Argfs*34) in the PPT1 gene. It is expected to result in an absent or disrupted protein product. Loss-of-function variants in PPT1 are known to be pathogenic (PMID: 10679943, 21990111). For these reasons, this variant has been classified as Pathogenic.

Fulgent Genetics
Classification: Likely pathogenic for Neuronal ceroid lipofuscinosis 1. Last evaluated: 2022-03-11. Review status: criteria provided, single submitter. Criteria: ACMG Guidelines, 2015. Collection method: clinical testing. Allele origin: unknown.

Literature cited by the submitters: PubMed 11727201 (cited by Labcorp Genetics (formerly Invitae), Labcorp); PubMed 10679943 (cited by Labcorp Genetics (formerly Invitae), Labcorp); PubMed 21990111 (cited by Labcorp Genetics (formerly Invitae), Labcorp).